The following is an entry in ClinVar:

NM_006343.3(MERTK):c.2725C>G (p.Arg909Gly)

Gene: MERTK (MER proto-oncogene, tyrosine kinase; plus strand). Cytogenetic location: 2q13.
Variant type: single nucleotide variant.
Coding change: c.2725C>G on transcript NM_006343.3 (MANE Select); coding-DNA position 2725, C replaced by G.
Protein change: p.Arg909Gly; replaces arginine 909 with glycine.
Molecular consequence: missense variant.
Genome position (GRCh38, 1-based): chr2:112,028,589, C>G. VCF-style: chr2-112028589-C-G. GRCh37 (hg19) VCF-style: chr2-112786166-C-G.
Other names: short protein forms R909G.
Identifiers: ClinVar variation 1407677 (VCV001407677.6), dbSNP rs758693335, ClinGen allele CA348243566.
Genomic context (GRCh38, chr2:112,028,589, plus strand): 5'-ACCCTTGCTCCACTGGACTTGAACATCGACCCTGACTCTATAATTGCCTCCTGCACTCCC[C>G]GCGCTGCCATCAGTGTGGTCACAGCAGAAGTTCATGACAGCAAACCTCATGAAGGACGGT-3'
Protein context (NP_006334.2, residues 899-919): PDSIIASCTP[Arg909Gly]AAISVVTAEV

ClinVar aggregate classification (germline): Uncertain significance (1 of 4 stars; one submission).

Submission:

Labcorp Genetics (formerly Invitae), Labcorp
Classification: Uncertain significance. Last evaluated: 2022-07-06. Review status: criteria provided, single submitter. Criteria: Invitae Variant Classification Sherloc (09022015). Collection method: clinical testing. Allele origin: germline.
Comment: This sequence change replaces arginine, which is basic and polar, with glycine, which is neutral and non-polar, at codon 909 of the MERTK protein (p.Arg909Gly). This variant is not present in population databases (gnomAD no frequency). This variant has not been reported in the literature in individuals affected with MERTK-related conditions. ClinVar contains an entry for this variant (Variation ID: 1407677). Algorithms developed to predict the effect of missense changes on protein structure and function output the following: SIFT: "Tolerated"; PolyPhen-2: "Benign"; Align-GVGD: "Class C0". The glycine amino acid residue is found in multiple mammalian species, which suggests that this missense change does not adversely affect protein function. In summary, the available evidence is currently insufficient to determine the role of this variant in disease. Therefore, it has been classified as a Variant of Uncertain Significance.